The following is an entry in ClinVar:

NM_007078.3(LDB3):c.1475C>T (p.Thr492Ile)

Gene: LDB3 (LIM domain binding 3; plus strand). Cytogenetic location: 10q23.2.
Variant type: single nucleotide variant.
Coding change: c.1475C>T on transcript NM_007078.3 (MANE Select); coding-DNA position 1475, C replaced by T.
Protein change: p.Thr492Ile; replaces threonine 492 with isoleucine.
Molecular consequence: missense variant.
Genome position (GRCh38, 1-based): chr10:86,716,570, C>T. VCF-style: chr10-86716570-C-T. GRCh37 (hg19) VCF-style: chr10-88476327-C-T.
Other names: c.1145C>T, p.Thr382Ile (NM_001080114.2); c.1490C>T, p.Thr497Ile (NM_001171610.2); c.1286C>T, p.Thr429Ile (NM_001368064.1, NM_001368065.1); c.1334C>T, p.Thr445Ile (NM_001368066.1); short protein forms T492I, T445I, T429I, T382I, T497I.
Identifiers: ClinVar variation 45523 (VCV000045523.4), dbSNP rs397517216, ClinGen allele CA136530.

ClinVar aggregate classification (germline): Uncertain significance (1 of 4 stars; one submission).

Allele frequency attached by ClinVar (database versions not stated): gnomAD exomes below 0.00001.
gnomAD v4.1: 2 of 1,613,820 alleles (0.00012%); highest among the groups gnomAD compares: Non-Finnish European, 0.00017%; no homozygotes.

Submission:

Laboratory for Molecular Medicine, Mass General Brigham Personalized Medicine
Classification: Uncertain significance. Last evaluated: 2012-05-31. Review status: criteria provided, single submitter. Criteria: LMM Criteria. Collection method: clinical testing. Allele origin: germline. Observed: 1 variant allele.
Comment: Variant classified as Uncertain Significance - Favor Benign. The Thr492Ile varia nt in LDB3 has not been reported in the literature nor previously identified by our laboratory. Threonine at position 492 is not conserved in mammals, suggestin g that a change at this position may be tolerated. Additional computational anal yses (biochemical amino acid properties, AlignGVGD, PolyPhen2, and SIFT) do not provide strong support for or against an impact to the protein. In summary, addi tional information is needed to fully assess the clinical significance of the Th r492Ile variant.